The following is an entry in ClinVar:

ClinVar aggregate classification (germline): Uncertain significance. Review status: criteria provided, multiple submitters, no conflicts (2 of 4 stars). 2 submissions from 2 submitters: Uncertain significance (2). Last evaluated 2025-03-20.

Conditions:
Inborn genetic diseases. Identifiers: MedGen C0950123, MeSH D030342.

gnomAD v4.1: 1 of 1,610,306 alleles (0.000062%); highest among the groups gnomAD compares: Admixed American, 0.0017%; no homozygotes.

Submissions (2):

Ambry Genetics
Classification: Uncertain significance for Inborn genetic diseases. Last evaluated: 2025-03-20. Review status: criteria provided, single submitter. Criteria: Ambry Variant Classification Scheme 2023. Collection method: clinical testing. Allele origin: germline.

GeneDx
Classification: Uncertain significance. Last evaluated: 2025-01-29. Review status: criteria provided, single submitter. Criteria: GeneDx Variant Classification Process June 2021. Collection method: clinical testing. Allele origin: germline. Affected: yes.
Comment: Not observed at significant frequency in large population cohorts (gnomAD); In silico analysis supports that this missense variant has a deleterious effect on protein structure/function; Has not been previously published as pathogenic or benign to our knowledge

NM_002582.4(PARN):c.1171A>T (p.Ile391Phe)

Gene: PARN (poly(A)-specific ribonuclease; minus strand). Cytogenetic location: 16p13.12.
Variant type: single nucleotide variant.
Coding change: c.1171A>T on transcript NM_002582.4 (MANE Select); coding-DNA position 1171, A replaced by T.
Protein change: p.Ile391Phe; replaces isoleucine 391 with phenylalanine.
Molecular consequence: missense variant.
Genome position (GRCh38, 1-based): chr16:14,582,202, T>A on the plus strand (A>T on the coding strand, the complement: PARN is on the minus strand). VCF-style: chr16-14582202-T-A. GRCh37 (hg19) VCF-style: chr16-14676059-T-A.
Other names: c.988A>T, p.Ile330Phe (NM_001134477.3); c.1033A>T, p.Ile345Phe (NM_001242992.2); short protein forms I345F, I391F, I330F.
Identifiers: ClinVar variation 3927956 (VCV003927956.2).